The following is an entry in ClinVar:

NM_019892.6(INPP5E):c.958G>A (p.Glu320Lys)

Gene: INPP5E (inositol polyphosphate-5-phosphatase E; minus strand). Cytogenetic location: 9q34.3.
Variant type: single nucleotide variant.
Coding change: c.958G>A on transcript NM_019892.6 (MANE Select); coding-DNA position 958, G replaced by A.
Protein change: p.Glu320Lys; replaces glutamic acid 320 with lysine.
Molecular consequence: missense variant.
Genome position (GRCh38, 1-based): chr9:136,434,113, C>T on the plus strand (G>A on the coding strand, the complement: INPP5E is on the minus strand). VCF-style: chr9-136434113-C-T. GRCh37 (hg19) VCF-style: chr9-139328565-C-T.
Other names: c.958G>A, p.Glu320Lys (NM_001318502.2); c.958G>A (NM_019892.4, NM_019892.5); short protein forms E320K.
Identifiers: ClinVar variation 1392065 (VCV001392065.8), dbSNP rs1254993477, ClinGen allele CA375565169.

ClinVar aggregate classification (germline): Uncertain significance. Review status: criteria provided, multiple submitters, no conflicts (2 of 4 stars). 4 submissions from 4 submitters: Uncertain significance (3). 1 of the submissions does not count toward it. Last evaluated 2025-07-10.

Conditions:
INPP5E-related disorder. Also called: INPP5E-related condition.
Inborn genetic diseases. Identifiers: MedGen C0950123, MeSH D030342.
Joubert syndrome. Also called: CEREBELLOPARENCHYMAL DISORDER IV; JOUBERT-BOLTSHAUSER SYNDROME; Familial aplasia of the vermis. Identifiers: Orphanet 475, MedGen C5979921, MONDO:0018772.

Allele frequency attached by ClinVar (database versions not stated): TOPMed 0.00001; gnomAD exomes 0.00002.
gnomAD v4.1: 21 of 1,609,622 alleles (0.0013%); highest among the groups gnomAD compares: Admixed American, 0.005%; no homozygotes.

Submissions (4):

GeneDx
Classification: Uncertain significance. Last evaluated: 2025-07-10. Review status: criteria provided, single submitter. Criteria: GeneDx Variant Classification Process June 2021. Collection method: clinical testing. Allele origin: germline. Affected: yes.
Comment: Not observed at significant frequency in large population cohorts (gnomAD); In silico analysis supports that this missense variant has a deleterious effect on protein structure/function; Has not been previously published as pathogenic or benign to our knowledge; This variant is associated with the following publications: (PMID: 23386033)

Ambry Genetics
Classification: Uncertain significance for Inborn genetic diseases. Last evaluated: 2022-07-26. Review status: criteria provided, single submitter. Criteria: Ambry Variant Classification Scheme 2023. Collection method: clinical testing. Allele origin: germline.

Labcorp Genetics (formerly Invitae), Labcorp
Classification: Uncertain significance for Joubert syndrome. Last evaluated: 2021-08-28. Review status: criteria provided, single submitter. Criteria: Invitae Variant Classification Sherloc (09022015). Collection method: clinical testing. Allele origin: germline.
Comment: This sequence change replaces glutamic acid with lysine at codon 320 of the INPP5E protein (p.Glu320Lys). The glutamic acid residue is moderately conserved and there is a small physicochemical difference between glutamic acid and lysine. This variant is not present in population databases (ExAC no frequency). This variant has not been reported in the literature in individuals affected with INPP5E-related conditions. Advanced modeling of protein sequence and biophysical properties (such as structural, functional, and spatial information, amino acid conservation, physicochemical variation, residue mobility, and thermodynamic stability) performed at Invitae indicates that this missense variant is expected to disrupt INPP5E protein function. In summary, the available evidence is currently insufficient to determine the role of this variant in disease. Therefore, it has been classified as a Variant of Uncertain Significance.

PreventionGenetics, part of Exact Sciences
Classification: Uncertain significance for INPP5E-related condition. Last evaluated: 2024-07-15. Review status: no assertion criteria provided. Collection method: clinical testing. Allele origin: germline. Not counted in ClinVar's aggregate classification.
Comment: The INPP5E c.958G>A variant is predicted to result in the amino acid substitution p.Glu320Lys. To our knowledge, this variant has not been reported in the literature. This variant is reported in 0.0088% of alleles in individuals of Latino descent in gnomAD. At this time, the clinical significance of this variant is uncertain due to the absence of conclusive functional and genetic evidence.